The following is an entry in ClinVar:

NM_213599.3(ANO5):c.2129G>C (p.Trp710Ser)

Gene: ANO5 (anoctamin 5; plus strand). Cytogenetic location: 11p14.3.
Variant type: single nucleotide variant.
Coding change: c.2129G>C on transcript NM_213599.3 (MANE Select); coding-DNA position 2129, G replaced by C.
Protein change: p.Trp710Ser; replaces tryptophan 710 with serine.
Molecular consequence: missense variant.
Genome position (GRCh38, 1-based): chr11:22,272,883, G>C. VCF-style: chr11-22272883-G-C. GRCh37 (hg19) VCF-style: chr11-22294429-G-C.
Other names: c.2126G>C, p.Trp709Ser (NM_001142649.2); c.2087G>C, p.Trp696Ser (NM_001410963.1); c.2084G>C, p.Trp695Ser (NM_001410964.1); short protein forms W695S, W696S, W709S, W710S.
Identifiers: ClinVar variation 3753739 (VCV003753739.2).

ClinVar aggregate classification (germline): Uncertain significance (1 of 4 stars; one submission).

Conditions:
Gnathodiaphyseal dysplasia (GDD). Also called: GNATHODIAPHYSEAL SCLEROSIS; OSTEOGENESIS IMPERFECTA WITH UNUSUAL SKELETAL LESIONS. Identifiers: Orphanet 53697, MedGen C1833736, MONDO:0008151, OMIM 166260.
Autosomal recessive limb-girdle muscular dystrophy type 2L (LGMDR12). Also called: Limb-girdle muscular dystrophy, type 2L; MUSCULAR DYSTROPHY, LIMB-GIRDLE, AUTOSOMAL RECESSIVE 12; Limb-Girdle Muscular Dystrophy R12 Anoctamin-5-Related (LGMD-R12). Identifiers: Orphanet 206549, MedGen C1969785, MONDO:0012652, OMIM 611307.

Submission:

Labcorp Genetics (formerly Invitae), Labcorp
Classification: Uncertain significance for Autosomal recessive limb-girdle muscular dystrophy type 2L; Gnathodiaphyseal dysplasia. Last evaluated: 2024-07-12. Review status: criteria provided, single submitter. Criteria: Invitae Variant Classification Sherloc (09022015). Collection method: clinical testing. Allele origin: germline.
Comment: This sequence change replaces tryptophan, which is neutral and slightly polar, with serine, which is neutral and polar, at codon 710 of the ANO5 protein (p.Trp710Ser). This variant is not present in population databases (gnomAD no frequency). This variant has not been reported in the literature in individuals affected with ANO5-related conditions. Advanced modeling of protein sequence and biophysical properties (such as structural, functional, and spatial information, amino acid conservation, physicochemical variation, residue mobility, and thermodynamic stability) performed at Invitae indicates that this missense variant is expected to disrupt ANO5 protein function with a positive predictive value of 95%. In summary, the available evidence is currently insufficient to determine the role of this variant in disease. Therefore, it has been classified as a Variant of Uncertain Significance.